The following is an entry in ClinVar:

NM_198576.4(AGRN):c.905C>T (p.Ala302Val)

Gene: AGRN (agrin; plus strand). Cytogenetic location: 1p36.33.
Variant type: single nucleotide variant.
Coding change: c.905C>T on transcript NM_198576.4 (MANE Select); coding-DNA position 905, C replaced by T.
Protein change: p.Ala302Val; replaces alanine 302 with valine.
Molecular consequence: missense variant.
Genome position (GRCh38, 1-based): chr1:1,041,350, C>T. VCF-style: chr1-1041350-C-T. GRCh37 (hg19) VCF-style: chr1-976730-C-T.
Other names: c.905C>T, p.Ala302Val (NM_001305275.2); c.590C>T, p.Ala197Val (NM_001364727.2); short protein forms A197V, A302V.
Identifiers: ClinVar variation 843558 (VCV000843558.8), dbSNP rs759162806, ClinGen allele CA507932.

ClinVar aggregate classification (germline): Uncertain significance. Review status: criteria provided, multiple submitters, no conflicts (2 of 4 stars). 3 submissions from 3 submitters: Uncertain significance (3). Last evaluated 2024-07-01.

Conditions:
Inborn genetic diseases. Identifiers: MedGen C0950123, MeSH D030342.
Congenital myasthenic syndrome 8. Also called: MYASTHENIC SYNDROME, CONGENITAL, DUE TO AGRIN DEFICIENCY; Myasthenic syndrome, congenital, 8, with pre- and postsynaptic defects. Identifiers: Orphanet 590, MedGen C3808739, MONDO:0014052, OMIM 615120.

Allele frequency attached by ClinVar (database versions not stated): ExAC 0.00042; TOPMed 0.00005; gnomAD exomes 0.00008.
gnomAD v4.1: 77 of 1,529,808 alleles (0.005%); highest among the groups gnomAD compares: South Asian, 0.006%; no homozygotes.

Submissions (3):

GeneDx
Classification: Uncertain significance. Last evaluated: 2024-07-01. Review status: criteria provided, single submitter. Criteria: GeneDx Variant Classification Process June 2021. Collection method: clinical testing. Allele origin: germline. Affected: yes.
Comment: In silico analysis supports that this missense variant has a deleterious effect on protein structure/function; Has not been previously published as pathogenic or benign to our knowledge

Ambry Genetics
Classification: Uncertain significance for Inborn genetic diseases. Last evaluated: 2021-09-01. Review status: criteria provided, single submitter. Criteria: Ambry Variant Classification Scheme 2023. Collection method: clinical testing. Allele origin: germline.

Labcorp Genetics (formerly Invitae), Labcorp
Classification: Uncertain significance for Congenital myasthenic syndrome 8. Last evaluated: 2021-08-27. Review status: criteria provided, single submitter. Criteria: Invitae Variant Classification Sherloc (09022015). Collection method: clinical testing. Allele origin: germline.
Comment: This sequence change replaces alanine with valine at codon 302 of the AGRN protein (p.Ala302Val). The alanine residue is highly conserved and there is a small physicochemical difference between alanine and valine. While this variant is present in population databases (rs759162806), the frequency information is unreliable, as metrics indicate poor data quality at this position in the ExAC database. This variant has not been reported in the literature in individuals affected with AGRN-related conditions. Algorithms developed to predict the effect of missense changes on protein structure and function are either unavailable or do not agree on the potential impact of this missense change (SIFT: "Deleterious"; PolyPhen-2: "Possibly Damaging"; Align-GVGD: "Class C0"). In summary, the available evidence is currently insufficient to determine the role of this variant in disease. Therefore, it has been classified as a Variant of Uncertain Significance.